The following is an entry in ClinVar:

ClinVar aggregate classification (germline): Benign/Likely benign. Review status: criteria provided, multiple submitters, no conflicts (2 of 4 stars). 3 submissions from 3 submitters: Benign (1); Likely benign (2). Last evaluated 2025-03-22.

Conditions:
Hereditary cancer-predisposing syndrome. Also called: Hereditary Cancer Syndrome; Tumor predisposition; Neoplastic Syndromes, Hereditary; Hereditary neoplastic syndrome. Identifiers: Orphanet 140162, MedGen C0027672, MeSH D009386, MONDO:0015356.
Familial cancer of breast. Also called: Hereditary breast cancer; hereditary breast carcinoma; BREAST CANCER, FAMILIAL. Identifiers: Orphanet 227535, MedGen C0346153, MONDO:0016419, OMIM 114480. Disease mechanism: loss of function.
Fanconi anemia complementation group J. Also called: BRIP1-Related Fanconi Anemia. Identifiers: Orphanet 84, MedGen C1836860, MONDO:0012187, OMIM 609054.

Submissions (3):

Labcorp Genetics (formerly Invitae), Labcorp
Classification: Likely benign for Familial cancer of breast; Fanconi anemia complementation group J. Last evaluated: 2025-03-22. Review status: criteria provided, single submitter. Criteria: Invitae Variant Classification Sherloc (09022015). Collection method: clinical testing. Allele origin: germline.

Myriad Genetics, Inc.
Classification: Benign for Familial cancer of breast. Last evaluated: 2024-08-08. Review status: criteria provided, single submitter. Criteria: Myriad Autosomal Dominant, Autosomal Recessive and X-Linked Classification Criteria (2023). Collection method: clinical testing. Allele origin: unknown.
Comment: This variant is considered benign. This variant is a silent/synonymous amino acid change and it is not expected to impact splicing.

Ambry Genetics
Classification: Likely benign for Hereditary cancer-predisposing syndrome. Last evaluated: 2023-08-19. Review status: criteria provided, single submitter. Criteria: Ambry Variant Classification Scheme 2023. Collection method: clinical testing. Allele origin: germline.

NM_032043.3(BRIP1):c.39G>A (p.Val13=)

Gene: BRIP1 (BRCA1 interacting DNA helicase 1; minus strand). Cytogenetic location: 17q23.2.
Variant type: single nucleotide variant.
Coding change: c.39G>A on transcript NM_032043.3 (MANE Select); coding-DNA position 39, G replaced by A.
Protein change: p.Val13=; no amino-acid change (valine 13 retained).
Molecular consequence: synonymous variant.
Genome position (GRCh38, 1-based): chr17:61,861,501, C>T on the plus strand (G>A on the coding strand, the complement: BRIP1 is on the minus strand). VCF-style: chr17-61861501-C-T. GRCh37 (hg19) VCF-style: chr17-59938862-C-T.
Other names: c.39G>A (NM_032043.2).
Identifiers: ClinVar variation 1624501 (VCV001624501.11), dbSNP rs2078972813, ClinGen allele CA501151898.